The following is an entry in ClinVar:

NM_012433.4(SF3B1):c.1155T>G (p.Ala385=)

Gene: SF3B1 (splicing factor 3b subunit 1; minus strand). Cytogenetic location: 2q33.1.
Variant type: single nucleotide variant.
Coding change: c.1155T>G on transcript NM_012433.4 (MANE Select); coding-DNA position 1155, T replaced by G.
Protein change: p.Ala385=; no amino-acid change (alanine 385 retained).
Molecular consequence: synonymous variant.
Genome position (GRCh38, 1-based): chr2:197,408,082, A>C on the plus strand (T>G on the coding strand, the complement: SF3B1 is on the minus strand). VCF-style: chr2-197408082-A-C. GRCh37 (hg19) VCF-style: chr2-198272806-A-C.
Identifiers: ClinVar variation 777138 (VCV000777138.29), dbSNP rs144644361, ClinGen allele CA2042780.

ClinVar aggregate classification (germline): Benign/Likely benign. Review status: criteria provided, multiple submitters, no conflicts (2 of 4 stars). 3 submissions from 3 submitters: Benign (2); Likely benign (1). Last evaluated 2022-10-01.

Allele frequency attached by ClinVar (database versions not stated): 1000 Genomes Project 0.00080; ExAC 0.00196; gnomAD 0.00253 and 0.00304; TOPMed 0.00278; ESP Exome Variant Server 0.00323; 1000 Genomes Project 30x 0.00062.
gnomAD v4.1: 5,217 of 1,613,770 alleles (0.32%); highest among the groups gnomAD compares: Non-Finnish European, 0.4%; 11 homozygotes.

Submissions (3):

CeGaT Center for Human Genetics Tuebingen
Classification: Likely benign. Last evaluated: 2022-10-01. Review status: criteria provided, single submitter. Criteria: CeGaT Center For Human Genetics Tuebingen Variant Classification Criteria Version 2. Collection method: clinical testing. Allele origin: germline. Affected: yes. Observed: 1 variant allele.
Comment: SF3B1: BP4, BP7

Labcorp Genetics (formerly Invitae), Labcorp
Classification: Benign. Last evaluated: 2019-12-31. Review status: criteria provided, single submitter. Criteria: Invitae Variant Classification Sherloc (09022015). Collection method: clinical testing. Allele origin: germline.

Breakthrough Genomics
Classification: Benign. Review status: criteria provided, single submitter. Criteria: ACMG Guidelines, 2015. Collection method: not provided. Allele origin: germline. Inheritance: Unknown mechanism. Affected: yes.